The following is an entry in ClinVar:

NM_000135.4(FANCA):c.3686C>G (p.Ala1229Gly)

Gene: FANCA (FA complementation group A; minus strand). Cytogenetic location: 16q24.3.
Variant type: single nucleotide variant.
Coding change: c.3686C>G on transcript NM_000135.4 (MANE Select); coding-DNA position 3686, C replaced by G.
Protein change: p.Ala1229Gly; replaces alanine 1229 with glycine.
Molecular consequence: missense variant.
Genome position (GRCh38, 1-based): chr16:89,742,879, G>C on the plus strand (C>G on the coding strand, the complement: FANCA is on the minus strand). VCF-style: chr16-89742879-G-C. GRCh37 (hg19) VCF-style: chr16-89809287-G-C.
Other names: c.3686C>G (LRG_495t1); c.3686C>G, p.Ala1229Gly (NM_001286167.3); short protein forms A1229G.
Identifiers: ClinVar variation 456120 (VCV000456120.9), dbSNP rs1465548673, ClinGen allele CA397485435.
Genomic context (GRCh38, chr16:89,742,879, plus strand): 5'-AGCTTCTTTAGCTGCTTCCTGATGTTTTCTTCCCTGACTTGTTGAATCGCAAAGTGCAGT[G>C]CAGCAGCTGAGAGCCAGTCCGGGTTGGGTGCTGGGGAGGCAGCCTCAGGGGAGAGGAAAC-3'
Protein context (NP_000126.2, residues 1219-1239): APNPDWLSAA[Ala1229Gly]LHFAIQQVRE

ClinVar aggregate classification (germline): Uncertain significance. Review status: criteria provided, single submitter (1 of 4 stars). 2 submissions from 2 submitters: Uncertain significance (1). 1 of the submissions does not count toward it. Last evaluated 2021-08-24.

Conditions:
Fanconi anemia (FA). Also called: Fanconi's anemia. Identifiers: Orphanet 84, MedGen C0015625, MeSH D005199, MONDO:0019391.

Submissions (2):

Labcorp Genetics (formerly Invitae), Labcorp
Classification: Uncertain significance for Fanconi anemia. Last evaluated: 2021-08-24. Review status: criteria provided, single submitter. Criteria: Invitae Variant Classification Sherloc (09022015). Collection method: clinical testing. Allele origin: germline.
Comment: This sequence change replaces alanine with glycine at codon 1229 of the FANCA protein (p.Ala1229Gly). The alanine residue is moderately conserved and there is a small physicochemical difference between alanine and glycine. This variant is not present in population databases (ExAC no frequency). This variant has not been reported in the literature in individuals affected with FANCA-related conditions. Algorithms developed to predict the effect of missense changes on protein structure and function (SIFT, PolyPhen-2, Align-GVGD) all suggest that this variant is likely to be tolerated. In summary, the available evidence is currently insufficient to determine the role of this variant in disease. Therefore, it has been classified as a Variant of Uncertain Significance.

Natera, Inc.
Classification: Uncertain significance for Fanconi anemia. Last evaluated: 2020-03-11. Review status: no assertion criteria provided. Collection method: clinical testing. Allele origin: germline. Not counted in ClinVar's aggregate classification.